The following is an entry in ClinVar:

NC_000006.12:g.(?_158980754)_(158986441_?)del

Gene: RSPH3 (radial spoke head 3; minus strand). Cytogenetic location: 6q25.3.
Variant type: Deletion.
Identifiers: ClinVar variation 665656 (VCV000665656.6).

ClinVar aggregate classification (germline): Pathogenic (1 of 4 stars; one submission).

Conditions:
Primary ciliary dyskinesia 32. Also called: CILIARY DYSKINESIA, PRIMARY, 32, WITHOUT SITUS INVERSUS. Identifiers: Orphanet 244, MedGen C4225311, MONDO:0014657, OMIM 616481.

Submission:

Labcorp Genetics (formerly Invitae), Labcorp
Classification: Pathogenic for Primary ciliary dyskinesia 32. Last evaluated: 2022-06-04. Review status: criteria provided, single submitter. Criteria: Invitae Variant Classification Sherloc (09022015). Collection method: clinical testing. Allele origin: germline.
Comment: For these reasons, this variant has been classified as Pathogenic. This variant has not been reported in the literature in individuals affected with RSPH3-related conditions. This variant is a gross deletion of the genomic region encompassing exon(s) 3-6 of the RSPH3 gene. This deletion is out-of-frame, and is expected to create a premature termination codon and result in an absent or disrupted protein product. Loss-of-function variants in RSPH3 are known to be pathogenic (PMID: 26073779).

Literature cited by the submitters: PubMed 26073779.